The following is an entry in ClinVar:

NM_004304.5(ALK):c.1507G>A (p.Val503Ile)

Gene: ALK (ALK receptor tyrosine kinase; minus strand). Cytogenetic location: 2p23.2.
Variant type: single nucleotide variant.
Coding change: c.1507G>A on transcript NM_004304.5 (MANE Select); coding-DNA position 1507, G replaced by A.
Protein change: p.Val503Ile; replaces valine 503 with isoleucine.
Molecular consequence: missense variant.
Genome position (GRCh38, 1-based): chr2:29,320,790, C>T on the plus strand (G>A on the coding strand, the complement: ALK is on the minus strand). VCF-style: chr2-29320790-C-T. GRCh37 (hg19) VCF-style: chr2-29543656-C-T.
Other names: short protein forms V503I.
Identifiers: ClinVar variation 470754 (VCV000470754.19), dbSNP rs1229156257, ClinGen allele CA346472319.

ClinVar aggregate classification (germline): Uncertain significance. Review status: criteria provided, multiple submitters, no conflicts (2 of 4 stars). 4 submissions from 4 submitters: Uncertain significance (4). Last evaluated 2025-07-28.

Conditions:
Neuroblastoma, susceptibility to, 3. Also called: ALK-Related Neuroblastic Tumor Susceptibility. Identifiers: Orphanet 635, MedGen C2751681, MONDO:0013083, OMIM 613014.
Hereditary cancer-predisposing syndrome. Also called: Hereditary neoplastic syndrome; Neoplastic Syndromes, Hereditary; Tumor predisposition; Hereditary Cancer Syndrome. Identifiers: Orphanet 140162, MedGen C0027672, MeSH D009386, MONDO:0015356.

Allele frequency attached by ClinVar (database versions not stated): gnomAD exomes below 0.00001 and 0.00001.
gnomAD v4.1: 14 of 1,614,084 alleles (0.00087%); highest among the groups gnomAD compares: Non-Finnish European, 0.0011%; no homozygotes.

Submissions (4):

Ambry Genetics
Classification: Uncertain significance for Hereditary cancer-predisposing syndrome. Last evaluated: 2025-07-28. Review status: criteria provided, single submitter. Criteria: Ambry Variant Classification Scheme 2023. Collection method: clinical testing. Allele origin: germline.
Comment: The p.V503I variant (also known as c.1507G>A), located in coding exon 7 of the ALK gene, results from a G to A substitution at nucleotide position 1507. The valine at codon 503 is replaced by isoleucine, an amino acid with highly similar properties. This amino acid position is conserved. In addition, this alteration is predicted to be tolerated by in silico analysis. Since supporting evidence is limited at this time, the clinical significance of this alteration remains unclear.

Revvity Omics, Revvity
Classification: Uncertain significance. Last evaluated: 2024-07-04. Review status: criteria provided, single submitter. Criteria: ACMG Guidelines, 2015. Collection method: clinical testing. Allele origin: germline.

Labcorp Genetics (formerly Invitae), Labcorp
Classification: Uncertain significance for Neuroblastoma, susceptibility to, 3. Last evaluated: 2024-03-21. Review status: criteria provided, single submitter. Criteria: Invitae Variant Classification Sherloc (09022015). Collection method: clinical testing. Allele origin: germline.
Comment: This sequence change replaces valine, which is neutral and non-polar, with isoleucine, which is neutral and non-polar, at codon 503 of the ALK protein (p.Val503Ile). This variant is present in population databases (no rsID available, gnomAD 0.0009%). This variant has not been reported in the literature in individuals affected with ALK-related conditions. ClinVar contains an entry for this variant (Variation ID: 470754). Algorithms developed to predict the effect of missense changes on protein structure and function output the following: SIFT: "Not Available"; PolyPhen-2: "Benign"; Align-GVGD: "Not Available". The isoleucine amino acid residue is found in multiple mammalian species, which suggests that this missense change does not adversely affect protein function. In summary, the available evidence is currently insufficient to determine the role of this variant in disease. Therefore, it has been classified as a Variant of Uncertain Significance.

Illumina Laboratory Services, Illumina
Classification: Uncertain significance for Neuroblastoma, susceptibility to, 3. Last evaluated: 2018-02-02. Review status: criteria provided, single submitter. Criteria: ICSL Variant Classification Criteria 13 December 2019. Collection method: clinical testing. Allele origin: germline.